The following is an entry in ClinVar:

ClinVar aggregate classification (germline): Uncertain significance (1 of 4 stars; one submission).

Conditions:
Mitochondrial complex II deficiency, nuclear type 1. Also called: SUCCINATE CoQ REDUCTASE DEFICIENCY. Identifiers: Orphanet 3208, MedGen C5700310, MONDO:0100294, OMIM 252011.
Pheochromocytoma/paraganglioma syndrome 5. Also called: Paragangliomas 5; SDHA-Related Hereditary Paraganglioma-Pheochromocytoma Syndrome. Identifiers: Orphanet 29072, MedGen C3279992, MONDO:0013602, OMIM 614165.

Submission:

Labcorp Genetics (formerly Invitae), Labcorp
Classification: Uncertain significance for Pheochromocytoma/paraganglioma syndrome 5; Mitochondrial complex II deficiency, nuclear type 1. Last evaluated: 2022-10-07. Review status: criteria provided, single submitter. Criteria: Invitae Variant Classification Sherloc (09022015). Collection method: clinical testing. Allele origin: germline.
Comment: In summary, the available evidence is currently insufficient to determine the role of this variant in disease. Therefore, it has been classified as a Variant of Uncertain Significance. Advanced modeling of protein sequence and biophysical properties (such as structural, functional, and spatial information, amino acid conservation, physicochemical variation, residue mobility, and thermodynamic stability) performed at Invitae indicates that this missense variant is not expected to disrupt SDHA protein function. ClinVar contains an entry for this variant (Variation ID: 1354934). This variant has not been reported in the literature in individuals affected with SDHA-related conditions. This variant is not present in population databases (gnomAD no frequency). This sequence change replaces asparagine, which is neutral and polar, with serine, which is neutral and polar, at codon 86 of the SDHA protein (p.Asn86Ser).

NM_004168.4(SDHA):c.257A>G (p.Asn86Ser)

Gene: SDHA (succinate dehydrogenase complex flavoprotein subunit A; plus strand). Cytogenetic location: 5p15.33.
Variant type: single nucleotide variant.
Coding change: c.257A>G on transcript NM_004168.4 (MANE Select); coding-DNA position 257, A replaced by G.
Protein change: p.Asn86Ser; replaces asparagine 86 with serine.
Molecular consequence: missense variant.
Genome position (GRCh38, 1-based): chr5:224,466, A>G. VCF-style: chr5-224466-A-G. GRCh37 (hg19) VCF-style: chr5-224581-A-G.
Other names: c.257A>G, p.Asn86Ser (NM_001294332.2, NM_001330758.2); short protein forms N86S.
Identifiers: ClinVar variation 1354934 (VCV001354934.6), dbSNP rs2126543056, ClinGen allele CA359008586.